The following is an entry in ClinVar:

ClinVar aggregate classification (germline): Uncertain significance (1 of 4 stars; one submission).

Conditions:
Chuvash polycythemia. Also called: POLYCYTHEMIA, VHL-DEPENDENT. Identifiers: Orphanet 238557, MedGen C1837915, MONDO:0009892, OMIM 263400.
Von Hippel-Lindau syndrome (VHLS). Also called: von Hippel–Lindau syndrome; VHL syndrome; Von Hippel-Lindau. Identifiers: Orphanet 892, MedGen C0019562, MONDO:0008667, OMIM 193300. Disease mechanism: loss of function.

Submission:

Labcorp Genetics (formerly Invitae), Labcorp
Classification: Uncertain significance for Von Hippel-Lindau syndrome; Chuvash polycythemia. Last evaluated: 2025-10-20. Review status: criteria provided, single submitter. Criteria: Invitae Variant Classification Sherloc (09022015). Collection method: clinical testing. Allele origin: germline.
Comment: This variant occurs in a non-coding region of the VHL gene. It does not change the encoded amino acid sequence of the VHL protein. This variant is not present in population databases (gnomAD no frequency). This variant has not been reported in the literature in individuals affected with VHL-related conditions. Experimental studies and prediction algorithms are not available or were not evaluated, and the functional significance of this variant is currently unknown. In summary, the available evidence is currently insufficient to determine the role of this variant in disease. Therefore, it has been classified as a Variant of Uncertain Significance.

NM_000551.4(VHL):c.-61_-51del

Gene: VHL (von Hippel-Lindau tumor suppressor; plus strand). Cytogenetic location: 3p25.3.
Variant type: Deletion.
Coding change: c.-61_-51del on transcript NM_000551.4 (MANE Select); 61 bases upstream of the start codon through 51 bases upstream of the start codon, 11 bases deleted (CCCCGCGTCCG).
Molecular consequence: 5 prime UTR variant. On other transcripts: non-coding transcript variant (1).
Genome position (GRCh38, 1-based): chr3:10,141,787-10,141,797, CCCCGCGTCCG deleted; deleting any 11 consecutive bases within chr3:10,141,783-10,141,797 gives the same sequence; the c. name uses the placement nearest the transcript's 3' end. VCF-style (leftmost placement, unchanged base first): chr3-10141782-CTCCGCCCCGCG-C. GRCh37 (hg19) VCF-style: chr3-10183466-CTCCGCCCCGCG-C.
Other names: c.-61_-51del (NM_001354723.2, NM_198156.3).
Identifiers: ClinVar variation 4791389 (VCV004791389.1).